The following is an entry in ClinVar:

ClinVar aggregate classification (germline): Uncertain significance (1 of 4 stars; one submission).

gnomAD v4.1: 126 of 1,613,990 alleles (0.0078%); highest among the groups gnomAD compares: Non-Finnish European, 0.01%; no homozygotes.

Submission:

Labcorp Genetics (formerly Invitae), Labcorp
Classification: Uncertain significance. Last evaluated: 2025-08-22. Review status: criteria provided, single submitter. Criteria: Invitae Variant Classification Sherloc (09022015). Collection method: clinical testing. Allele origin: germline.
Comment: This sequence change replaces isoleucine, which is neutral and non-polar, with methionine, which is neutral and non-polar, at codon 603 of the RPS6KC1 protein (p.Ile603Met). This variant is present in population databases (rs199708203, gnomAD 0.007%). This variant has not been reported in the literature in individuals affected with RPS6KC1-related conditions. An algorithm developed to predict the effect of missense changes on protein structure and function (PolyPhen-2) suggests that this variant is likely to be disruptive. In summary, the available evidence is currently insufficient to determine the role of this variant in disease. Therefore, it has been classified as a Variant of Uncertain Significance.

NM_012424.6(RPS6KC1):c.1809A>G (p.Ile603Met)

Gene: RPS6KC1 (ribosomal protein S6 kinase C1; plus strand). Cytogenetic location: 1q32.3.
Variant type: single nucleotide variant.
Coding change: c.1809A>G on transcript NM_012424.6 (MANE Select); coding-DNA position 1809, A replaced by G.
Protein change: p.Ile603Met; replaces isoleucine 603 with methionine.
Molecular consequence: missense variant. On other transcripts: non-coding transcript variant (4).
Genome position (GRCh38, 1-based): chr1:213,241,285, A>G. VCF-style: chr1-213241285-A-G. GRCh37 (hg19) VCF-style: chr1-213414628-A-G.
Other names: c.1773A>G, p.Ile591Met (NM_001136138.4); c.1173A>G, p.Ile391Met (NM_001287218.3, NM_001287219.3, NM_001349654.2); c.414A>G, p.Ile138Met (NM_001287220.3, NM_001349663.2, NM_001349664.2 and 8 more transcripts); c.1266A>G, p.Ile422Met (NM_001287221.3, NM_001349648.2, NM_001349649.2 and 4 more transcripts); c.1716A>G, p.Ile572Met (NM_001349646.2); c.1446A>G, p.Ile482Met (NM_001349647.2); c.918A>G, p.Ile306Met (NM_001349657.2, NM_001349658.2); c.753A>G, p.Ile251Met (NM_001349659.2, NM_001349660.2, NM_001349661.2 and 1 more transcripts); short protein forms I306M, I572M, I591M, I138M, I251M, I422M, I603M, I391M.
Identifiers: ClinVar variation 4750859 (VCV004750859.1).